The following is an entry in ClinVar:

ClinVar aggregate classification (germline): Likely benign (1 of 4 stars; one submission).

Submission:

CeGaT Center for Human Genetics Tuebingen
Classification: Likely benign. Last evaluated: 2024-10-01. Review status: criteria provided, single submitter. Criteria: CeGaT Center For Human Genetics Tuebingen Variant Classification Criteria Version 2. Collection method: clinical testing. Allele origin: germline. Affected: yes. Observed: 1 variant allele.
Comment: MUC5B: BP4

NM_002458.3(MUC5B):c.10361C>G (p.Thr3454Arg)

Genes: MUC5B (mucin 5B, oligomeric mucus/gel-forming; plus strand), MUC5B-AS1 (MUC5B antisense RNA 1; minus strand). Cytogenetic location: 11p15.5.
Variant type: single nucleotide variant.
Coding change: c.10361C>G on transcript NM_002458.3 (MANE Select); coding-DNA position 10361, C replaced by G.
Protein change: p.Thr3454Arg; replaces threonine 3454 with arginine.
Molecular consequence: missense variant.
Genome position (GRCh38, 1-based): chr11:1,247,241, C>G. VCF-style: chr11-1247241-C-G. GRCh37 (hg19) VCF-style: chr11-1268471-C-G.
Other names: short protein forms T3454R.
Identifiers: ClinVar variation 3389989 (VCV003389989.14).